The following is an entry in ClinVar:

NM_003718.5(CDK13):c.159_170dup (p.Pro57_Leu58insProProProPro)

Gene: CDK13 (cyclin dependent kinase 13; plus strand). Cytogenetic location: 7p14.1.
Variant type: Duplication.
Coding change: c.159_170dup on transcript NM_003718.5 (MANE Select); coding-DNA positions 159 to 170, 12 bases duplicated (GCCCCCGCCGCC).
Protein change: p.Pro57_Leu58insProProProPro.
Molecular consequence: inframe indel (on NM_031267.4).
Genome position (GRCh38, 1-based): chr7:39,950,800-39,950,811, GCCCCCGCCGCC duplicated; duplicating any 12 consecutive bases within chr7:39,950,792-39,950,811 gives the same sequence; the c. name uses the placement nearest the transcript's 3' end. VCF-style (leftmost placement, unchanged base first): chr7-39950791-A-ACCGCCGCCGCCC. GRCh37 (hg19) VCF-style: chr7-39990390-A-ACCGCCGCCGCCC.
Other names: c.159_170dup, p.Pro57_Leu58insProProProPro (NM_031267.4).
Identifiers: ClinVar variation 1723513 (VCV001723513.6), dbSNP rs915919248, ClinGen allele CA157707116.

ClinVar aggregate classification (germline): Conflicting classifications of pathogenicity. Review status: criteria provided, conflicting classifications (1 of 4 stars). 2 submissions from 2 submitters: Likely pathogenic (1); Uncertain significance (1). Last evaluated 2025-05-20.

Submissions (2):

GeneDx
Classification: Likely pathogenic. Last evaluated: 2025-05-20. Review status: criteria provided, single submitter. Criteria: GeneDx Variant Classification Process June 2021. Collection method: clinical testing. Allele origin: germline. Affected: yes.
Comment: Not observed at significant frequency in large population cohorts (gnomAD); Has not been previously published as pathogenic or benign to our knowledge

Labcorp Genetics (formerly Invitae), Labcorp
Classification: Uncertain significance. Last evaluated: 2024-05-18. Review status: criteria provided, single submitter. Criteria: Invitae Variant Classification Sherloc (09022015). Collection method: clinical testing. Allele origin: germline.
Comment: This variant, c.159_170dup, results in the insertion of 4 amino acid(s) of the CDK13 protein (p.Pro54_Pro57dup), but otherwise preserves the integrity of the reading frame. This variant is not present in population databases (gnomAD no frequency). This variant has not been reported in the literature in individuals affected with CDK13-related conditions. ClinVar contains an entry for this variant (Variation ID: 1723513). In summary, the available evidence is currently insufficient to determine the role of this variant in disease. Therefore, it has been classified as a Variant of Uncertain Significance.